The following is an entry in ClinVar:

ClinVar aggregate classification (germline): Uncertain significance (1 of 4 stars; one submission).

Conditions:
POLD1-related polyposis and colorectal cancer syndrome (CRCS10). Also called: Colorectal cancer 10; COLORECTAL CANCER, SUSCEPTIBILITY TO, ON CHROMOSOME 19q; Colorectal cancer, susceptibility to, 10. Identifiers: Orphanet 220460, MedGen C2675481, MONDO:0012953, OMIM 612591.

Allele frequency attached by ClinVar (database versions not stated): gnomAD exomes below 0.00001.
gnomAD v4.1: 1 of 1,613,556 alleles (0.000062%); highest among the groups gnomAD compares: Non-Finnish European, 0.000085%; no homozygotes.

Submission:

Labcorp Genetics (formerly Invitae), Labcorp
Classification: Uncertain significance for POLD1-related polyposis and colorectal cancer syndrome. Last evaluated: 2021-01-14. Review status: criteria provided, single submitter. Criteria: Invitae Variant Classification Sherloc (09022015). Collection method: clinical testing. Allele origin: germline.
Comment: This sequence change replaces leucine with proline at codon 674 of the POLD1 protein (p.Leu674Pro). The leucine residue is highly conserved and there is a moderate physicochemical difference between leucine and proline. In summary, the available evidence is currently insufficient to determine the role of this variant in disease. Therefore, it has been classified as a Variant of Uncertain Significance. Algorithms developed to predict the effect of missense changes on protein structure and function (SIFT, PolyPhen-2, Align-GVGD) all suggest that this variant is likely to be disruptive, but these predictions have not been confirmed by published functional studies and their clinical significance is uncertain. This variant has not been reported in the literature in individuals with POLD1-related disease. This variant is not present in population databases (ExAC no frequency).

NM_002691.4(POLD1):c.2021T>C (p.Leu674Pro)

Gene: POLD1 (DNA polymerase delta 1, catalytic subunit; plus strand). Cytogenetic location: 19q13.33.
Variant type: single nucleotide variant.
Coding change: c.2021T>C on transcript NM_002691.4 (MANE Select); coding-DNA position 2021, T replaced by C.
Protein change: p.Leu674Pro; replaces leucine 674 with proline.
Molecular consequence: missense variant. On other transcripts: non-coding transcript variant (1).
Genome position (GRCh38, 1-based): chr19:50,409,533, T>C. VCF-style: chr19-50409533-T-C. GRCh37 (hg19) VCF-style: chr19-50912790-T-C.
Other names: c.2021T>C, p.Leu674Pro (NM_001256849.1); c.2099T>C, p.Leu700Pro (NM_001308632.1); short protein forms L674P, L700P.
Identifiers: ClinVar variation 580495 (VCV000580495.10), dbSNP rs1568631336, ClinGen allele CA406982466.